The following is an entry in ClinVar:

NM_014915.3(ANKRD26):c.259G>A (p.Ala87Thr)

Gene: ANKRD26 (ankyrin repeat domain 26; minus strand). Cytogenetic location: 10p12.1.
Variant type: single nucleotide variant.
Coding change: c.259G>A on transcript NM_014915.3 (MANE Select); coding-DNA position 259, G replaced by A.
Protein change: p.Ala87Thr; replaces alanine 87 with threonine.
Molecular consequence: missense variant.
Genome position (GRCh38, 1-based): chr10:27,093,783, C>T on the plus strand (G>A on the coding strand, the complement: ANKRD26 is on the minus strand). VCF-style: chr10-27093783-C-T. GRCh37 (hg19) VCF-style: chr10-27382712-C-T.
Other names: c.259G>A, p.Ala87Thr (NM_001256053.2); short protein forms A87T.
Identifiers: ClinVar variation 4769262 (VCV004769262.1).
Genomic context (GRCh38, chr10:27,093,783, plus strand): 5'-TGAGCTGGCATTTTCTGTCCACCAGGAGAGTTACTACTTCTGGATGACCATTGGCACAGG[C>T]CAAATGTAGAGCCGTCCTATGAGAGTGACAGGACTTTTTATAAACTGTAGTGCACTGTCT-3'
Protein context (NP_055730.2, residues 77-97): DKMNRTALHL[Ala87Thr]CANGHPEVVT

ClinVar aggregate classification (germline): Uncertain significance (1 of 4 stars; one submission).

Submission:

Labcorp Genetics (formerly Invitae), Labcorp
Classification: Uncertain significance. Last evaluated: 2025-07-24. Review status: criteria provided, single submitter. Criteria: Invitae Variant Classification Sherloc (09022015). Collection method: clinical testing. Allele origin: germline.
Comment: This sequence change replaces alanine, which is neutral and non-polar, with threonine, which is neutral and polar, at codon 87 of the ANKRD26 protein (p.Ala87Thr). This variant is not present in population databases (gnomAD no frequency). This variant has not been reported in the literature in individuals affected with ANKRD26-related conditions. An algorithm developed to predict the effect of missense changes on protein structure and function (PolyPhen-2) suggests that this variant is likely to be disruptive. In summary, the available evidence is currently insufficient to determine the role of this variant in disease. Therefore, it has been classified as a Variant of Uncertain Significance.